The following is an entry in ClinVar:

NM_030632.3(ASXL3):c.542G>A (p.Arg181His)

Gene: ASXL3 (ASXL transcriptional regulator 3; plus strand). Cytogenetic location: 18q12.1.
Variant type: single nucleotide variant.
Coding change: c.542G>A on transcript NM_030632.3 (MANE Select); coding-DNA position 542, G replaced by A.
Protein change: p.Arg181His; replaces arginine 181 with histidine.
Molecular consequence: missense variant.
Genome position (GRCh38, 1-based): chr18:33,670,737, G>A. VCF-style: chr18-33670737-G-A. GRCh37 (hg19) VCF-style: chr18-31250701-G-A.
Other names: short protein forms R181H.
Identifiers: ClinVar variation 3340377 (VCV003340377.5).

ClinVar aggregate classification (germline): Conflicting classifications of pathogenicity. Review status: criteria provided, conflicting classifications (1 of 4 stars). 2 submissions from 2 submitters: Uncertain significance (1); Likely benign (1). Last evaluated 2026-02-01.

gnomAD v4.1: 8 of 1,566,338 alleles (0.00051%); highest among the groups gnomAD compares: Non-Finnish European, 0.00061%; no homozygotes.

Submissions (2):

CeGaT Center for Human Genetics Tuebingen
Classification: Likely benign. Last evaluated: 2026-02-01. Review status: criteria provided, single submitter. Criteria: CeGaT Center For Human Genetics Tuebingen Variant Classification Criteria Version 2. Collection method: clinical testing. Allele origin: germline. Affected: yes. Observed: 1 variant allele.
Comment: ASXL3: BP5

GeneDx
Classification: Uncertain significance. Last evaluated: 2023-10-19. Review status: criteria provided, single submitter. Criteria: GeneDx Variant Classification Process June 2021. Collection method: clinical testing. Allele origin: germline. Affected: yes.
Comment: In silico analysis supports that this missense variant has a deleterious effect on protein structure/function; Has not been previously published as pathogenic or benign to our knowledge